The following is an entry in ClinVar:

NM_001940.4(ATN1):c.3493C>T (p.His1165Tyr)

Gene: ATN1 (atrophin 1; plus strand). Cytogenetic location: 12p13.31.
Variant type: single nucleotide variant.
Coding change: c.3493C>T on transcript NM_001940.4 (MANE Select); coding-DNA position 3493, C replaced by T.
Protein change: p.His1165Tyr; replaces histidine 1165 with tyrosine.
Molecular consequence: missense variant.
Genome position (GRCh38, 1-based): chr12:6,941,508, C>T. VCF-style: chr12-6941508-C-T. GRCh37 (hg19) VCF-style: chr12-7050671-C-T.
Other names: c.3493C>T, p.His1165Tyr (NM_001007026.2, NM_001424176.1, NM_001424177.1 and 1 more transcripts); c.3490C>T, p.His1164Tyr (NM_001424179.1, NM_001424180.1); c.3469C>T, p.His1157Tyr (NM_001424182.1); short protein forms H1157Y, H1164Y, H1165Y.
Identifiers: ClinVar variation 3346858 (VCV003346858.1).

ClinVar aggregate classification (germline): Uncertain significance (0 of 4 stars; one submission).

Conditions:
ATN1-related disorder. Also called: ATN1-related disorders; ATN1-related condition.

Submission:

PreventionGenetics, part of Exact Sciences
Classification: Uncertain significance for ATN1-related condition. Last evaluated: 2024-09-04. Review status: no assertion criteria provided. Collection method: clinical testing. Allele origin: germline.
Comment: The ATN1 c.3493C>T variant is predicted to result in the amino acid substitution p.His1165Tyr. To our knowledge, this variant has not been reported in the literature or in a large population database, indicating this variant is rare. This variant is located in the penultimate exon, and no other missense changes downstream have been reported in association with autosomal dominant ATN1-related CHEDDA. At this time, the clinical significance of this variant is uncertain due to the absence of conclusive functional and genetic evidence.